The following is an entry in ClinVar:

ClinVar aggregate classification (germline): Uncertain significance (1 of 4 stars; one submission).

gnomAD v4.1: 4 of 1,536,488 alleles (0.00026%); highest among the groups gnomAD compares: Non-Finnish European, 0.00035%; no homozygotes.

Submission:

GeneDx
Classification: Uncertain significance. Last evaluated: 2024-06-20. Review status: criteria provided, single submitter. Criteria: GeneDx Variant Classification Process June 2021. Collection method: clinical testing. Allele origin: germline. Affected: yes.
Comment: Not observed at significant frequency in large population cohorts (gnomAD); In silico analysis supports that this missense variant has a deleterious effect on protein structure/function; Has not been previously published as pathogenic or benign to our knowledge

NM_004522.3(KIF5C):c.254A>G (p.Tyr85Cys)

Gene: KIF5C (kinesin family member 5C; plus strand). Cytogenetic location: 2q23.1.
Variant type: single nucleotide variant.
Coding change: c.254A>G on transcript NM_004522.3 (MANE Select); coding-DNA position 254, A replaced by G.
Protein change: p.Tyr85Cys; replaces tyrosine 85 with cysteine.
Molecular consequence: missense variant.
Genome position (GRCh38, 1-based): chr2:148,929,317, A>G. VCF-style: chr2-148929317-A-G. GRCh37 (hg19) VCF-style: chr2-149686886-A-G.
Other names: short protein forms Y85C.
Identifiers: ClinVar variation 3391772 (VCV003391772.1).